The following is an entry in ClinVar:

ClinVar aggregate classification (germline): Uncertain significance (1 of 4 stars; one submission).

Allele frequency attached by ClinVar (database versions not stated): TOPMed below 0.00001; gnomAD 0.00001; gnomAD exomes 0.00001.
gnomAD v4.1: 14 of 1,569,870 alleles (0.00089%); highest among the groups gnomAD compares: Non-Finnish European, 0.0012%; no homozygotes.

Submission:

GeneDx
Classification: Uncertain significance. Last evaluated: 2023-12-31. Review status: criteria provided, single submitter. Criteria: GeneDx Variant Classification Process June 2021. Collection method: clinical testing. Allele origin: germline. Affected: yes.
Comment: Not observed at significant frequency in large population cohorts (gnomAD); In silico analysis supports that this missense variant does not alter protein structure/function; Has not been previously published as pathogenic or benign to our knowledge

NM_016343.4(CENPF):c.2683C>T (p.His895Tyr)

Gene: CENPF (centromere protein F; plus strand). Cytogenetic location: 1q41.
Variant type: single nucleotide variant.
Coding change: c.2683C>T on transcript NM_016343.4 (MANE Select); coding-DNA position 2683, C replaced by T.
Protein change: p.His895Tyr; replaces histidine 895 with tyrosine.
Molecular consequence: missense variant.
Genome position (GRCh38, 1-based): chr1:214,641,021, C>T. VCF-style: chr1-214641021-C-T. GRCh37 (hg19) VCF-style: chr1-214814364-C-T.
Other names: short protein forms H895Y.
Identifiers: ClinVar variation 1308991 (VCV001308991.3), dbSNP rs1452072261, ClinGen allele CA344822613.